The following is an entry in ClinVar:

ClinVar aggregate classification (germline): Likely pathogenic, low penetrance (1 of 4 stars; one submission).

Conditions:
Atypical hemolytic-uremic syndrome. Identifiers: Orphanet 2134, MedGen C2931788, MONDO:0016244.

gnomAD v4.1: 3 of 1,613,038 alleles (0.00019%); highest among the groups gnomAD compares: Non-Finnish European, 0.00025%; no homozygotes.

Submission:

Genomenon, Inc
Classification: Likely pathogenic, low penetrance for Atypical hemolytic-uremic syndrome. Last evaluated: 2025-10-02. Review status: criteria provided, single submitter. Criteria: Genomenon Sequence Variant Interpretation Standards - Updated. Collection method: curation. Allele origin: germline. Affected: yes.
Comment: CFH p.Ser199Gly (c.595A>G) is a missense variant that changes the amino acid at residue 199 from Serine to Glycine. This variant has been observed in at least one proband affected with atypical hemolytic-uremic syndrome (PMID:24029428). At least one functional study has demonstrated a substantial alteration in protein function relative to the wild-type (PMID:34189567). It is absent or not present at a significant frequency in gnomAD. In silico models agree that this variant is possibly or probably damaging. In conclusion, we classify CFH p.Ser199Gly (c.595A>G) as a likely pathogenic, low penetrance variant.

Literature cited by the submitters: PubMed 24029428; PubMed 34189567.

NM_000186.4(CFH):c.595A>G (p.Ser199Gly)

Gene: CFH (complement factor H; plus strand). Cytogenetic location: 1q31.3.
Variant type: single nucleotide variant.
Coding change: c.595A>G on transcript NM_000186.4 (MANE Select); coding-DNA position 595, A replaced by G.
Protein change: p.Ser199Gly; replaces serine 199 with glycine.
Molecular consequence: missense variant.
Genome position (GRCh38, 1-based): chr1:196,677,643, A>G. VCF-style: chr1-196677643-A-G. GRCh37 (hg19) VCF-style: chr1-196646773-A-G.
Other names: c.595A>G, p.Ser199Gly (NM_001014975.3); short protein forms S199G.
Identifiers: ClinVar variation 4291307 (VCV004291307.1).
Genomic context (GRCh38, chr1:196,677,643, plus strand): 5'-AACTCAGGCTACAAGATTGAAGGAGATGAAGAAATGCATTGTTCAGACGATGGTTTTTGG[A>G]GTAAAGAGAAACCAAAGTGTGTGGGTAAGATACACTTACTGTTTTAGTATTTTTAGCTTT-3'
Protein context (NP_000177.2, residues 189-209): EMHCSDDGFW[Ser199Gly]KEKPKCVEIS